The following is an entry in ClinVar:

ClinVar aggregate classification (germline): Uncertain significance. Review status: criteria provided, multiple submitters, no conflicts (2 of 4 stars). 3 submissions from 3 submitters: Uncertain significance (3). Last evaluated 2024-04-10.

Conditions:
Familial meningioma. Also called: Meningioma, familial, susceptibility to. Identifiers: Orphanet 263662, MedGen C3551915, MONDO:0011789, OMIM 607174.
Medulloblastoma (MDB). Also called: MEDULLOBLASTOMA PREDISPOSITION SYNDROME; Medulloblastoma, somatic. Identifiers: Orphanet 616, MedGen C0025149, MeSH D008527, MONDO:0007959, OMIM 155255, HP:0002885.
Gorlin syndrome. Also called: Nevoid Basal Cell Carcinoma Syndrome; Basal cell nevus syndrome. Identifiers: Orphanet 377, MedGen C0004779, MONDO:0007187.
Hereditary cancer-predisposing syndrome. Also called: Neoplastic Syndromes, Hereditary; Hereditary neoplastic syndrome; Tumor predisposition; Hereditary Cancer Syndrome. Identifiers: Orphanet 140162, MedGen C0027672, MeSH D009386, MONDO:0015356.

Allele frequency attached by ClinVar (database versions not stated): gnomAD exomes below 0.00001.
gnomAD v4.1: 1 of 1,605,002 alleles (0.000062%); no homozygotes.

Submissions (3):

Labcorp Genetics (formerly Invitae), Labcorp
Classification: Uncertain significance for Gorlin syndrome; Medulloblastoma. Last evaluated: 2024-04-10. Review status: criteria provided, single submitter. Criteria: Invitae Variant Classification Sherloc (09022015). Collection method: clinical testing. Allele origin: germline.
Comment: This sequence change replaces leucine, which is neutral and non-polar, with arginine, which is basic and polar, at codon 29 of the SUFU protein (p.Leu29Arg). This variant is not present in population databases (gnomAD no frequency). This variant has not been reported in the literature in individuals affected with SUFU-related conditions. ClinVar contains an entry for this variant (Variation ID: 843404). Advanced modeling of protein sequence and biophysical properties (such as structural, functional, and spatial information, amino acid conservation, physicochemical variation, residue mobility, and thermodynamic stability) performed at Invitae indicates that this missense variant is not expected to disrupt SUFU protein function with a negative predictive value of 80%. In summary, the available evidence is currently insufficient to determine the role of this variant in disease. Therefore, it has been classified as a Variant of Uncertain Significance.

Baylor Genetics
Classification: Uncertain significance for Familial meningioma. Last evaluated: 2024-03-05. Review status: criteria provided, single submitter. Criteria: ACMG Guidelines, 2015. Collection method: clinical testing. Allele origin: unknown.

Ambry Genetics
Classification: Uncertain significance for Hereditary cancer-predisposing syndrome. Last evaluated: 2022-05-17. Review status: criteria provided, single submitter. Criteria: Ambry Variant Classification Scheme 2023. Collection method: clinical testing. Allele origin: germline.
Comment: The p.L29R variant (also known as c.86T>G), located in coding exon 1 of the SUFU gene, results from a T to G substitution at nucleotide position 86. The leucine at codon 29 is replaced by arginine, an amino acid with dissimilar properties. This amino acid position is conserved. In addition, the in silico prediction for this alteration is inconclusive. Since supporting evidence is limited at this time, the clinical significance of this alteration remains unclear.

NM_016169.4(SUFU):c.86T>G (p.Leu29Arg)

Genes: SUFU (SUFU negative regulator of hedgehog signaling; plus strand), LOC130004614 (ATAC-STARR-seq lymphoblastoid silent region 2764; plus strand). Cytogenetic location: 10q24.32.
Variant type: single nucleotide variant.
Coding change: c.86T>G on transcript NM_016169.4 (MANE Select); coding-DNA position 86, T replaced by G.
Protein change: p.Leu29Arg; replaces leucine 29 with arginine.
Molecular consequence: missense variant.
Genome position (GRCh38, 1-based): chr10:102,504,238, T>G. VCF-style: chr10-102504238-T-G. GRCh37 (hg19) VCF-style: chr10-104263995-T-G.
Other names: c.86T>G, p.Leu29Arg (NM_001178133.2); short protein forms L29R.
Identifiers: ClinVar variation 843404 (VCV000843404.11), dbSNP rs2062291773, ClinGen allele CA377886411.